The following is an entry in ClinVar:

NM_001040716.2(PC):c.2114C>A (p.Ser705Ter)

Gene: PC (pyruvate carboxylase; minus strand). Cytogenetic location: 11q13.2.
Variant type: single nucleotide variant.
Coding change: c.2114C>A on transcript NM_001040716.2 (MANE Select); coding-DNA position 2114, C replaced by A.
Protein change: p.Ser705Ter; replaces serine 705 with a stop codon.
Molecular consequence: nonsense.
Genome position (GRCh38, 1-based): chr11:66,851,149, G>T on the plus strand (C>A on the coding strand, the complement: PC is on the minus strand). VCF-style: chr11-66851149-G-T. GRCh37 (hg19) VCF-style: chr11-66618620-G-T.
Other names: c.2114C>A, p.Ser705Ter (NM_000920.4, NM_022172.3); short protein forms S705*.
Identifiers: ClinVar variation 2955970 (VCV002955970.3), dbSNP rs113994146, ClinGen allele CA341756.

ClinVar aggregate classification (germline): Pathogenic (1 of 4 stars; one submission).

Conditions:
Pyruvate carboxylase deficiency. Also called: ATAXIA WITH LACTIC ACIDOSIS II; Pyruvate Carboxylase Deficiency Disease; LEIGH NECROTIZING ENCEPHALOPATHY DUE TO PYRUVATE CARBOXYLASE DEFICIENCY; LEIGH SYNDROME DUE TO PYRUVATE CARBOXYLASE DEFICIENCY; PC DEFICIENCY. Identifiers: Orphanet 3008, MedGen C0034341, MONDO:0009949, OMIM 266150.

Submission:

Labcorp Genetics (formerly Invitae), Labcorp
Classification: Pathogenic for Pyruvate carboxylase deficiency. Last evaluated: 2023-06-09. Review status: criteria provided, single submitter. Criteria: Invitae Variant Classification Sherloc (09022015). Collection method: clinical testing. Allele origin: germline.
Comment: For these reasons, this variant has been classified as Pathogenic. This premature translational stop signal has been observed in individual(s) with pyruvate carboxylase deficiency (PMID: 18676167). This variant is not present in population databases (gnomAD no frequency). This sequence change creates a premature translational stop signal (p.Ser705*) in the PC gene. It is expected to result in an absent or disrupted protein product. Loss-of-function variants in PC are known to be pathogenic (PMID: 12112657, 19306334).

Literature cited by the submitters: PubMed 18676167; PubMed 12112657; PubMed 19306334.